The following is an entry in ClinVar:

NM_006070.6(TFG):c.781C>G (p.Pro261Ala)

Gene: TFG (trafficking from ER to golgi regulator; plus strand). Cytogenetic location: 3q12.2.
Variant type: single nucleotide variant.
Coding change: c.781C>G on transcript NM_006070.6 (MANE Select); coding-DNA position 781, C replaced by G.
Protein change: p.Pro261Ala; replaces proline 261 with alanine.
Molecular consequence: missense variant.
Genome position (GRCh38, 1-based): chr3:100,744,892, C>G. VCF-style: chr3-100744892-C-G. GRCh37 (hg19) VCF-style: chr3-100463736-C-G.
Other names: c.781C>G, p.Pro261Ala (NM_001007565.2, NM_001195478.2); c.769C>G, p.Pro257Ala (NM_001195479.2); short protein forms P257A, P261A.
Identifiers: ClinVar variation 2011288 (VCV002011288.4), dbSNP rs770376829, ClinGen allele CA2517191.

ClinVar aggregate classification (germline): Uncertain significance (1 of 4 stars; one submission).

Conditions:
Hereditary motor and sensory neuropathy, Okinawa type (HMSNO). Also called: HEREDITARY MOTOR AND SENSORY NEUROPATHY, PROXIMAL TYPE. Identifiers: Orphanet 90117, MedGen C1858338, MONDO:0011468, OMIM 604484.
Hereditary spastic paraplegia 57. Also called: Spastic paraplegia 57, autosomal recessive. Identifiers: Orphanet 431329, MedGen C3714897, MONDO:0014295, OMIM 615658.

Allele frequency attached by ClinVar (database versions not stated): gnomAD exomes 0.00001; TOPMed 0.00003; gnomAD 0.00001; ExAC 0.00002.
gnomAD v4.1: 9 of 1,613,534 alleles (0.00056%); highest among the groups gnomAD compares: Admixed American, 0.015%; no homozygotes.

Submission:

Labcorp Genetics (formerly Invitae), Labcorp
Classification: Uncertain significance for Hereditary motor and sensory neuropathy, Okinawa type; Hereditary spastic paraplegia 57. Last evaluated: 2026-01-27. Review status: criteria provided, single submitter. Criteria: Invitae Variant Classification Sherloc (09022015). Collection method: clinical testing. Allele origin: germline.
Comment: This sequence change replaces proline, which is neutral and non-polar, with alanine, which is neutral and non-polar, at codon 261 of the TFG protein (p.Pro261Ala). This variant is present in population databases (rs770376829, gnomAD 0.02%). This variant has not been reported in the literature in individuals affected with TFG-related conditions. ClinVar contains an entry for this variant (Variation ID: 2011288). Invitae Evidence Modeling of protein sequence and biophysical properties (such as structural, functional, and spatial information, amino acid conservation, physicochemical variation, residue mobility, and thermodynamic stability) indicates that this missense variant is not expected to disrupt TFG protein function with a negative predictive value of 80%. In summary, the available evidence is currently insufficient to determine the role of this variant in disease. Therefore, it has been classified as a Variant of Uncertain Significance.